The following is an entry in ClinVar:

ClinVar aggregate classification (germline): Uncertain significance (1 of 4 stars; one submission).

Submission:

CeGaT Center for Human Genetics Tuebingen
Classification: Uncertain significance. Last evaluated: 2023-12-01. Review status: criteria provided, single submitter. Criteria: CeGaT Center For Human Genetics Tuebingen Variant Classification Criteria Version 2. Collection method: clinical testing. Allele origin: germline. Affected: yes. Observed: 1 variant allele.
Comment: CAPN1: PM2, PP3

NM_005186.4(CAPN1):c.322T>C (p.Cys108Arg)

Gene: CAPN1 (calpain 1; plus strand). Cytogenetic location: 11q13.1.
Variant type: single nucleotide variant.
Coding change: c.322T>C on transcript NM_005186.4 (MANE Select); coding-DNA position 322, T replaced by C.
Protein change: p.Cys108Arg; replaces cysteine 108 with arginine.
Molecular consequence: missense variant.
Genome position (GRCh38, 1-based): chr11:65,183,182, T>C. VCF-style: chr11-65183182-T-C. GRCh37 (hg19) VCF-style: chr11-64950653-T-C.
Other names: c.322T>C, p.Cys108Arg (NM_001198868.2, NM_001198869.2); short protein forms C108R.
Identifiers: ClinVar variation 3026907 (VCV003026907.22), dbSNP rs2539252776, ClinGen allele CA381241662.